The following is an entry in ClinVar:

NM_001042492.3(NF1):c.3822_3823insG (p.Phe1275fs)

Gene: NF1 (neurofibromin 1; plus strand). Cytogenetic location: 17q11.2.
Variant type: Insertion.
Coding change: c.3822_3823insG on transcript NM_001042492.3 (MANE Select); coding-DNA positions 3822 to 3823, G inserted.
Protein change: p.Phe1275fs; shifts the reading frame from phenylalanine 1275.
Molecular consequence: frameshift variant.
Genome position: GRCh38 VCF-style: chr17-31235724-C-CG. GRCh37 (hg19) VCF-style: chr17-29562742-C-CG.
Other names: c.3822_3823insG, p.Phe1275Valfs (NM_000267.4); short protein forms F1275fs.
Identifiers: ClinVar variation 1075136 (VCV001075136.5), dbSNP rs2151437977, ClinGen allele CA2499224115.
Genomic context (GRCh38, chr17:31,235,724, plus strand): 5'-CCAACTGCTCTGGAACATGTTTTCTAAAGAAGTAGAATTGGCAGACTCCATGCAGACTCT[C>CG]TTCCGAGGCAACAGCTTGGCCAGTAAAATAATGACATTCTGTTTCAAGGTTTGTATCATT-3'

ClinVar aggregate classification (germline): Pathogenic (1 of 4 stars; one submission).

Conditions:
Neurofibromatosis, type 1 (NF1). Also called: VON RECKLINGHAUSEN DISEASE; Peripheral type neurofibromatosis; NEUROFIBROMATOSIS, TYPE I, SOMATIC; Neurofibromatosis, type I. Identifiers: Orphanet 636, MedGen C0027831, MONDO:0018975, OMIM 162200. Disease mechanism: loss of function.

Submission:

Labcorp Genetics (formerly Invitae), Labcorp
Classification: Pathogenic for Neurofibromatosis, type 1. Last evaluated: 2020-02-17. Review status: criteria provided, single submitter. Criteria: Invitae Variant Classification Sherloc (09022015). Collection method: clinical testing. Allele origin: germline.
Comment: This sequence change creates a premature translational stop signal (p.Phe1275Valfs*9) in the NF1 gene. It is expected to result in an absent or disrupted protein product. This variant is not present in population databases (ExAC no frequency). This variant has not been reported in the literature in individuals with NF1-related conditions. Loss-of-function variants in NF1 are known to be pathogenic (PMID: 10712197, 23913538). For these reasons, this variant has been classified as Pathogenic.

Literature cited by the submitters: PubMed 10712197; PubMed 23913538.